The following is an entry in ClinVar:

NM_139125.4(MASP1):c.322C>T (p.Leu108Phe)

Gene: MASP1 (MBL associated serine protease 1; minus strand). Cytogenetic location: 3q27.3.
Variant type: single nucleotide variant.
Coding change: c.322C>T on transcript NM_139125.4 (MANE Select); coding-DNA position 322, C replaced by T.
Protein change: p.Leu108Phe; replaces leucine 108 with phenylalanine.
Molecular consequence: missense variant. On other transcripts: non-coding transcript variant (1).
Genome position (GRCh38, 1-based): chr3:187,262,636, G>A on the plus strand (C>T on the coding strand, the complement: MASP1 is on the minus strand). VCF-style: chr3-187262636-G-A. GRCh37 (hg19) VCF-style: chr3-186980424-G-A.
Other names: c.322C>T, p.Leu108Phe (NM_001031849.3, NM_001879.6); short protein forms L108F.
Identifiers: ClinVar variation 646164 (VCV000646164.5), dbSNP rs1476401872, ClinGen allele CA355748452.
Genomic context (GRCh38, chr3:187,262,636, plus strand): 5'-AACGCTCCTCATTGGAGAAATCTGACCGGAAAGTGATGGACATGAAGGAGCCAGGGGAGA[G>A]GACCACCTCCTGGCCGGGAGTCTGCTCTGTGTCTGTGGTCTCCCTGCCACAGAAGGTTGC-3'
Protein context (NP_624302.1, residues 98-118): TEQTPGQEVV[Leu108Phe]SPGSFMSITF

ClinVar aggregate classification (germline): Uncertain significance (1 of 4 stars; one submission).

Conditions:
3MC syndrome 1. Also called: OCULOPALATOSKELETAL SYNDROME; MICHELS SYNDROME; CRANIOSYNOSTOSIS WITH LID ANOMALIES. Identifiers: Orphanet 293843, MedGen C0796059, MONDO:0009770, OMIM 257920.

Allele frequency attached by ClinVar (database versions not stated): gnomAD exomes below 0.00001.

Submission:

Labcorp Genetics (formerly Invitae), Labcorp
Classification: Uncertain significance for 3MC syndrome 1. Last evaluated: 2018-07-11. Review status: criteria provided, single submitter. Criteria: Invitae Variant Classification Sherloc (09022015). Collection method: clinical testing. Allele origin: germline.
Comment: In summary, the available evidence is currently insufficient to determine the role of this variant in disease. Therefore, it has been classified as a Variant of Uncertain Significance. Algorithms developed to predict the effect of missense changes on protein structure and function output the following: SIFT: "Tolerated"; PolyPhen-2: "Benign"; Align-GVGD: "Class C0". The phenylalanine amino acid residue is found in multiple mammalian species, suggesting that this missense change does not adversely affect protein function. These predictions have not been confirmed by published functional studies and their clinical significance is uncertain. This variant has not been reported in the literature in individuals with MASP1-related disease. This variant is not present in population databases (ExAC no frequency). This sequence change replaces leucine with phenylalanine at codon 108 of the MASP1 protein (p.Leu108Phe). The leucine residue is moderately conserved and there is a small physicochemical difference between leucine and phenylalanine.